The following is an entry in ClinVar:

ClinVar aggregate classification (germline): Uncertain significance. Review status: criteria provided, multiple submitters, no conflicts (2 of 4 stars). 2 submissions from 2 submitters: Uncertain significance (2). Last evaluated 2026-07-06.

Conditions:
Hereditary cancer-predisposing syndrome. Also called: Tumor predisposition; Hereditary neoplastic syndrome; Neoplastic Syndromes, Hereditary; Hereditary Cancer Syndrome. Identifiers: Orphanet 140162, MedGen C0027672, MeSH D009386, MONDO:0015356.
Familial cancer of breast. Also called: BREAST CANCER, FAMILIAL; hereditary breast carcinoma; Hereditary breast cancer. Identifiers: Orphanet 227535, MedGen C0346153, MONDO:0016419, OMIM 114480. Disease mechanism: loss of function.
Fanconi anemia complementation group J. Also called: BRIP1-Related Fanconi Anemia. Identifiers: Orphanet 84, MedGen C1836860, MONDO:0012187, OMIM 609054.

Submissions (2):

Ambry Genetics
Classification: Uncertain significance for Hereditary cancer-predisposing syndrome. Last evaluated: 2026-07-06. Review status: criteria provided, single submitter. Criteria: Ambry Variant Classification Scheme 2023. Collection method: clinical testing. Allele origin: germline.
Comment: The p.L475V variant (also known as c.1423T>G), located in coding exon 9 of the BRIP1 gene, results from a T to G substitution at nucleotide position 1423. The leucine at codon 475 is replaced by valine, an amino acid with highly similar properties. This amino acid position is conserved. In addition, this alteration is predicted to be tolerated by in silico analysis. Based on the available evidence, the clinical significance of this variant remains unclear.

Labcorp Genetics (formerly Invitae), Labcorp
Classification: Uncertain significance for Familial cancer of breast; Fanconi anemia complementation group J. Last evaluated: 2022-08-19. Review status: criteria provided, single submitter. Criteria: Invitae Variant Classification Sherloc (09022015). Collection method: clinical testing. Allele origin: germline.
Comment: This sequence change replaces leucine, which is neutral and non-polar, with valine, which is neutral and non-polar, at codon 475 of the BRIP1 protein (p.Leu475Val). This variant is not present in population databases (gnomAD no frequency). This variant has not been reported in the literature in individuals affected with BRIP1-related conditions. Algorithms developed to predict the effect of missense changes on protein structure and function (SIFT, PolyPhen-2, Align-GVGD) all suggest that this variant is likely to be tolerated. In summary, the available evidence is currently insufficient to determine the role of this variant in disease. Therefore, it has been classified as a Variant of Uncertain Significance.

NM_032043.3(BRIP1):c.1423T>G (p.Leu475Val)

Gene: BRIP1 (BRCA1 interacting DNA helicase 1; minus strand). Cytogenetic location: 17q23.2.
Variant type: single nucleotide variant.
Coding change: c.1423T>G on transcript NM_032043.3 (MANE Select); coding-DNA position 1423, T replaced by G.
Protein change: p.Leu475Val; replaces leucine 475 with valine.
Molecular consequence: missense variant.
Genome position (GRCh38, 1-based): chr17:61,793,647, A>C on the plus strand (T>G on the coding strand, the complement: BRIP1 is on the minus strand). VCF-style: chr17-61793647-A-C. GRCh37 (hg19) VCF-style: chr17-59871008-A-C.
Other names: short protein forms L475V.
Identifiers: ClinVar variation 1717010 (VCV001717010.4), dbSNP rs2077854375, ClinGen allele CA400482136.